The following is an entry in ClinVar:

NM_017763.6(RNF43):c.215T>C (p.Val72Ala)

Gene: RNF43 (ring finger protein 43; minus strand). Cytogenetic location: 17q22.
Variant type: single nucleotide variant.
Coding change: c.215T>C on transcript NM_017763.6 (MANE Select); coding-DNA position 215, T replaced by C.
Protein change: p.Val72Ala; replaces valine 72 with alanine.
Molecular consequence: missense variant. On other transcripts: intron variant (1).
Genome position (GRCh38, 1-based): chr17:58,415,363, A>G on the plus strand (T>C on the coding strand, the complement: RNF43 is on the minus strand). VCF-style: chr17-58415363-A-G. GRCh37 (hg19) VCF-style: chr17-56492724-A-G.
Other names: c.215T>C, p.Val72Ala (NM_001305544.3, NM_001438820.1, NM_001438821.1 and 1 more transcripts); c.-130+1654T>C (NM_001437987.1); short protein forms V72A.
Identifiers: ClinVar variation 4863391 (VCV004863391.1).

ClinVar aggregate classification (germline): Uncertain significance (1 of 4 stars; one submission).

gnomAD v4.1: 11 of 1,614,142 alleles (0.00068%); highest among the groups gnomAD compares: Non-Finnish European, 0.00085%; no homozygotes.

Submission:

Ambry Genetics
Classification: Uncertain significance. Last evaluated: 2026-04-05. Review status: criteria provided, single submitter. Criteria: Ambry Variant Classification Scheme 2023. Collection method: clinical testing. Allele origin: germline.
Comment: The p.V72A variant (also known as c.215T>C), located in coding exon 1 of the RNF43 gene, results from a T to C substitution at nucleotide position 215. The valine at codon 72 is replaced by alanine, an amino acid with similar properties. This amino acid position is conserved. In addition, this alteration is predicted to be tolerated by in silico analysis. Based on the available evidence, the clinical significance of this variant remains unclear.